The following is an entry in ClinVar:

NM_013254.4(TBK1):c.1214G>T (p.Arg405Leu)

Gene: TBK1 (TANK binding kinase 1; plus strand). Cytogenetic location: 12q14.2.
Variant type: single nucleotide variant.
Coding change: c.1214G>T on transcript NM_013254.4 (MANE Select); coding-DNA position 1214, G replaced by T.
Protein change: p.Arg405Leu; replaces arginine 405 with leucine.
Molecular consequence: missense variant.
Genome position (GRCh38, 1-based): chr12:64,485,479, G>T. VCF-style: chr12-64485479-G-T. GRCh37 (hg19) VCF-style: chr12-64879259-G-T.
Other names: short protein forms R405L.
Identifiers: ClinVar variation 3804802 (VCV003804802.2).

ClinVar aggregate classification (germline): Uncertain significance. Review status: criteria provided, multiple submitters, no conflicts (2 of 4 stars). 2 submissions from 2 submitters: Uncertain significance (2). Last evaluated 2025-12-19.

Conditions:
Inborn genetic diseases. Identifiers: MedGen C0950123, MeSH D030342.
Frontotemporal dementia and/or amyotrophic lateral sclerosis 4. Also called: FTDALS4. Identifiers: Orphanet 275872, MedGen C4225325, MONDO:0014641, OMIM 616439.

gnomAD v4.1: 11 of 1,564,196 alleles (0.0007%); highest among the groups gnomAD compares: Middle Eastern, 0.021%; no homozygotes.

Submissions (2):

Labcorp Genetics (formerly Invitae), Labcorp
Classification: Uncertain significance for Frontotemporal dementia and/or amyotrophic lateral sclerosis 4. Last evaluated: 2025-12-19. Review status: criteria provided, single submitter. Criteria: Invitae Variant Classification Sherloc (09022015). Collection method: clinical testing. Allele origin: germline.
Comment: This sequence change replaces arginine, which is basic and polar, with leucine, which is neutral and non-polar, at codon 405 of the TBK1 protein (p.Arg405Leu). The frequency data for this variant in the population databases is considered unreliable, as metrics indicate poor data quality at this position in the gnomAD database. This missense change has been observed in individual(s) with TBK1-related conditions (internal data). ClinVar contains an entry for this variant (Variation ID: 3804802). Invitae Evidence Modeling of protein sequence and biophysical properties (such as structural, functional, and spatial information, amino acid conservation, physicochemical variation, residue mobility, and thermodynamic stability) indicates that this missense variant is not expected to disrupt TBK1 protein function with a negative predictive value of 95%. In summary, the available evidence is currently insufficient to determine the role of this variant in disease. Therefore, it has been classified as a Variant of Uncertain Significance.

Ambry Genetics
Classification: Uncertain significance for Inborn genetic diseases. Last evaluated: 2025-01-26. Review status: criteria provided, single submitter. Criteria: Ambry Variant Classification Scheme 2023. Collection method: clinical testing. Allele origin: germline.